The following is an entry in ClinVar:

ClinVar aggregate classification (germline): Uncertain significance (1 of 4 stars; one submission).

Conditions:
Inborn genetic diseases. Identifiers: MedGen C0950123, MeSH D030342.

gnomAD v4.1: 3 of 1,613,658 alleles (0.00019%); highest among the groups gnomAD compares: African/African-American, 0.0027%; no homozygotes.

Submission:

Ambry Genetics
Classification: Uncertain significance for Inborn genetic diseases. Last evaluated: 2025-05-20. Review status: criteria provided, single submitter. Criteria: Ambry Variant Classification Scheme 2023. Collection method: clinical testing. Allele origin: germline.
Comment: The p.Q1491R variant (also known as c.4472A>G), located in coding exon 13 of the ASXL1 gene, results from an A to G substitution at nucleotide position 4472. The glutamine at codon 1491 is replaced by arginine, an amino acid with highly similar properties. This amino acid position is conserved. In addition, the in silico prediction for this alteration is inconclusive. Based on the available evidence, the clinical significance of this variant remains unclear.

NM_015338.6(ASXL1):c.4472A>G (p.Gln1491Arg)

Gene: ASXL1 (ASXL transcriptional regulator 1; plus strand). Cytogenetic location: 20q11.21.
Variant type: single nucleotide variant.
Coding change: c.4472A>G on transcript NM_015338.6 (MANE Select); coding-DNA position 4472, A replaced by G.
Protein change: p.Gln1491Arg; replaces glutamine 1491 with arginine.
Molecular consequence: missense variant.
Genome position (GRCh38, 1-based): chr20:32,437,184, A>G. VCF-style: chr20-32437184-A-G. GRCh37 (hg19) VCF-style: chr20-31024987-A-G.
Other names: c.4289A>G, p.Gln1430Arg (NM_001363734.1); short protein forms Q1430R, Q1491R.
Identifiers: ClinVar variation 3957164 (VCV003957164.1).